The following is an entry in ClinVar:

NM_000038.6(APC):c.5409_5410del (p.Arg1803fs)

Gene: APC (APC regulator of Wnt signaling pathway; plus strand). Cytogenetic location: 5q22.2.
Variant type: Microsatellite.
Coding change: c.5409_5410del on transcript NM_000038.6 (MANE Select); coding-DNA positions 5409 to 5410, 2 bases deleted (AG; older notation c.5409_5410delAG).
Protein change: p.Arg1803fs; shifts the reading frame from arginine 1803.
Molecular consequence: frameshift variant.
Genome position (GRCh38, 1-based): chr5:112,841,003-112,841,004, AG deleted; deleting any 2 consecutive bases within chr5:112,840,998-112,841,004 gives the same sequence; the c. name uses the placement nearest the transcript's 3' end. VCF-style (leftmost placement, unchanged base first): chr5-112840997-TGA-T. GRCh37 (hg19) VCF-style: chr5-112176694-TGA-T.
Other names: c.5409_5410del, p.Arg1803fs (NM_001127510.3, NM_001354895.2); c.5355_5356del, p.Arg1785fs (NM_001127511.3); c.5463_5464del, p.Arg1821fs (NM_001354896.2); c.5439_5440del, p.Arg1813fs (NM_001354897.2); c.5334_5335del, p.Arg1778fs (NM_001354898.2); c.5325_5326del, p.Arg1775fs (NM_001354899.2); c.5286_5287del, p.Arg1762fs (NM_001354900.2); c.5232_5233del, p.Arg1744fs (NM_001354901.2); and 5 more; short protein forms R1520fs, R1643fs, R1677fs, R1702fs, R1712fs, R1744fs, R1762fs, R1775fs.
Identifiers: ClinVar variation 1071152 (VCV001071152.11), dbSNP rs2149939309, ClinGen allele CA913189195.

ClinVar aggregate classification (germline): Pathogenic. Review status: criteria provided, multiple submitters, no conflicts (2 of 4 stars). 2 submissions from 2 submitters: Pathogenic (2). Last evaluated 2023-05-12.

Conditions:
Familial adenomatous polyposis 1 (FAP1). Also called: POLYPOSIS, ADENOMATOUS INTESTINAL; FAMILIAL ADENOMATOUS POLYPOSIS 1, ATTENUATED. Identifiers: MedGen C2713442, MONDO:0021056, OMIM 175100. Disease mechanism: loss of function.

Submissions (2):

Myriad Genetics, Inc.
Classification: Pathogenic for Familial adenomatous polyposis 1. Last evaluated: 2023-05-12. Review status: criteria provided, single submitter. Criteria: Myriad Autosomal Dominant, Autosomal Recessive and X-Linked Classification Criteria (2023). Collection method: clinical testing. Allele origin: unknown.
Comment: This variant is considered pathogenic. This variant creates a frameshift predicted to result in premature protein truncation.

Labcorp Genetics (formerly Invitae), Labcorp
Classification: Pathogenic for Familial adenomatous polyposis 1. Last evaluated: 2023-02-01. Review status: criteria provided, single submitter. Criteria: Invitae Variant Classification Sherloc (09022015). Collection method: clinical testing. Allele origin: germline.
Comment: For these reasons, this variant has been classified as Pathogenic. A different truncation (p.Tyr2645Lysfs*14) that lies downstream of this variant has been determined to be pathogenic (PMID: 9824584, 1316610, 27081525, 8381579, 22135120, Invitae). This suggests that deletion of this region of the APC protein is causative of disease. This variant is expected to disrupt the EB1 and HDLG binding sites, which mediate interactions with the cytoskeleton (PMID: 15311282, 17293347). While functional studies have not been performed to directly test the effect on APC protein function, this suggests that disruption of the C-terminal portion of the protein is functionally important. This variant has not been reported in the literature in individuals affected with APC-related conditions. This variant is not present in population databases (gnomAD no frequency). This sequence change creates a premature translational stop signal (p.Arg1803Serfs*16) in the APC gene. While this is not anticipated to result in nonsense mediated decay, it is expected to disrupt the last 1041 amino acid(s) of the APC protein.

Literature cited by the submitters: PubMed 9824584 (cited by Labcorp Genetics (formerly Invitae), Labcorp); PubMed 1316610 (cited by Labcorp Genetics (formerly Invitae), Labcorp); PubMed 27081525 (cited by Labcorp Genetics (formerly Invitae), Labcorp); PubMed 8381579 (cited by Labcorp Genetics (formerly Invitae), Labcorp); PubMed 22135120 (cited by Labcorp Genetics (formerly Invitae), Labcorp); PubMed 15311282 (cited by Labcorp Genetics (formerly Invitae), Labcorp); PubMed 17293347 (cited by Labcorp Genetics (formerly Invitae), Labcorp).